The following is an entry in ClinVar:

NM_004525.3(LRP2):c.3450A>T (p.Gln1150His)

Gene: LRP2 (LDL receptor related protein 2; minus strand). Cytogenetic location: 2q31.1.
Variant type: single nucleotide variant.
Coding change: c.3450A>T on transcript NM_004525.3 (MANE Select); coding-DNA position 3450, A replaced by T.
Protein change: p.Gln1150His; replaces glutamine 1150 with histidine.
Molecular consequence: missense variant.
Genome position (GRCh38, 1-based): chr2:169,243,503, T>A on the plus strand (A>T on the coding strand, the complement: LRP2 is on the minus strand). VCF-style: chr2-169243503-T-A. GRCh37 (hg19) VCF-style: chr2-170100013-T-A.
Other names: c.3450A>T (NM_004525.2); short protein forms Q1150H.
Identifiers: ClinVar variation 1480039 (VCV001480039.5), dbSNP rs757327993, ClinGen allele CA1955021.

ClinVar aggregate classification (germline): Conflicting classifications of pathogenicity. Review status: criteria provided, conflicting classifications (1 of 4 stars). 4 submissions from 4 submitters: Uncertain significance (3); Likely benign (1). Last evaluated 2024-06-14.

Conditions:
LRP2-related disorder. Also called: LRP2-related condition.

Allele frequency attached by ClinVar (database versions not stated): gnomAD 0.00001; gnomAD exomes 0.00004 and 0.00006; ExAC 0.00006.
gnomAD v4.1: 59 of 1,614,014 alleles (0.0037%); highest among the groups gnomAD compares: Middle Eastern, 0.049%; no homozygotes.

Submissions (4):

Blueprint Genetics
Classification: Likely benign. Last evaluated: 2024-06-14. Review status: criteria provided, single submitter. Criteria: ACMG Guidelines, 2015. Collection method: clinical testing. Allele origin: germline.

PreventionGenetics, part of Exact Sciences
Classification: Uncertain significance for LRP2-related condition. Last evaluated: 2022-11-22. Review status: criteria provided, single submitter. Criteria: ACMG Guidelines, 2015. Collection method: clinical testing. Allele origin: germline.
Comment: The LRP2 c.3450A>T variant is predicted to result in the amino acid substitution p.Gln1150His. To our knowledge, this variant has not been reported in the literature. This variant is reported in 0.023% of alleles in individuals of South Asian descent in gnomAD. At this time, the clinical significance of this variant is uncertain due to the absence of conclusive functional and genetic evidence.

Labcorp Genetics (formerly Invitae), Labcorp
Classification: Uncertain significance. Last evaluated: 2021-11-28. Review status: criteria provided, single submitter. Criteria: Invitae Variant Classification Sherloc (09022015). Collection method: clinical testing. Allele origin: germline.
Comment: This sequence change replaces glutamine, which is neutral and polar, with histidine, which is basic and polar, at codon 1150 of the LRP2 protein (p.Gln1150His). This variant is present in population databases (rs757327993, gnomAD 0.02%). This variant has not been reported in the literature in individuals affected with LRP2-related conditions. Advanced modeling of protein sequence and biophysical properties (such as structural, functional, and spatial information, amino acid conservation, physicochemical variation, residue mobility, and thermodynamic stability) performed at Invitae indicates that this missense variant is not expected to disrupt LRP2 protein function. In summary, the available evidence is currently insufficient to determine the role of this variant in disease. Therefore, it has been classified as a Variant of Uncertain Significance.

Breakthrough Genomics
Classification: Uncertain significance. Review status: criteria provided, single submitter. Criteria: ACMG Guidelines, 2015. Collection method: not provided. Allele origin: germline. Inheritance: Autosomal recessive inheritance. Affected: yes.